The following is an entry in ClinVar:

ClinVar aggregate classification (germline): Uncertain significance (1 of 4 stars; one submission).

Conditions:
Amyotrophic lateral sclerosis type 6. Also called: FUS-Related Amyotrophic Laterial Sclerosis; AMYOTROPHIC LATERAL SCLEROSIS 6 WITHOUT FRONTOTEMPORAL DEMENTIA; Amyotrophic lateral sclerosis 6, with or without frontotemporal dementia. Identifiers: Orphanet 275872, Orphanet 803, MedGen C2931786, MONDO:0011951, OMIM 608030.
Tremor, hereditary essential, 4 (ETM4). Identifiers: MedGen C3539195, MONDO:0013888, OMIM 614782.

gnomAD v4.1: 3 of 1,610,808 alleles (0.00019%); highest among the groups gnomAD compares: Non-Finnish European, 0.00025%; no homozygotes.

Submission:

Labcorp Genetics (formerly Invitae), Labcorp
Classification: Uncertain significance for Tremor, hereditary essential, 4; Amyotrophic lateral sclerosis type 6. Last evaluated: 2024-06-09. Review status: criteria provided, single submitter. Criteria: Invitae Variant Classification Sherloc (09022015). Collection method: clinical testing. Allele origin: germline.
Comment: This sequence change replaces glycine, which is neutral and non-polar, with valine, which is neutral and non-polar, at codon 245 of the FUS protein (p.Gly245Val). This variant is not present in population databases (gnomAD no frequency). This missense change has been observed in individual(s) with FUS-related conditions (PMID: 26176978). Experimental studies and prediction algorithms are not available or were not evaluated, and the functional significance of this variant is currently unknown. In summary, the available evidence is currently insufficient to determine the role of this variant in disease. Therefore, it has been classified as a Variant of Uncertain Significance.

Literature cited by the submitters: PubMed 26176978.

NM_004960.4(FUS):c.734G>T (p.Gly245Val)

Gene: FUS (FUS RNA binding protein; plus strand). Cytogenetic location: 16p11.2.
Variant type: single nucleotide variant.
Coding change: c.734G>T on transcript NM_004960.4 (MANE Select); coding-DNA position 734, G replaced by T.
Protein change: p.Gly245Val; replaces glycine 245 with valine.
Molecular consequence: missense variant. On other transcripts: non-coding transcript variant (1).
Genome position (GRCh38, 1-based): chr16:31,185,149, G>T. VCF-style: chr16-31185149-G-T. GRCh37 (hg19) VCF-style: chr16-31196470-G-T.
Other names: c.731G>T, p.Gly244Val (NM_001170634.1); c.722G>T, p.Gly241Val (NM_001170937.1); short protein forms G241V, G244V, G245V.
Identifiers: ClinVar variation 3759351 (VCV003759351.2).